The following is an entry in ClinVar:

NC_000019.9:g.(45858987_45860527)_(45868417_45871887)del

Gene: ERCC2 (ERCC excision repair 2, TFIIH core complex helicase subunit; minus strand). Cytogenetic location: 19q13.32.
Variant type: Deletion.
Identifiers: ClinVar variation 1343477 (VCV001343477.1).

ClinVar aggregate classification (germline): Likely pathogenic (1 of 4 stars; one submission).

Conditions:
Xeroderma pigmentosum (XP). Identifiers: Orphanet 910, MedGen C0043346, MONDO:0019600.

Submission:

Women's Health and Genetics/Laboratory Corporation of America, LabCorp
Classification: Likely pathogenic for Xeroderma pigmentosum. Last evaluated: 2022-02-04. Review status: criteria provided, single submitter. Criteria: LabCorp Variant Classification Summary - May 2015. Collection method: clinical testing. Allele origin: germline.
Comment: Variant summary: The variant identified by MLPA or other technology involves the deletion of exons 6-15 in the ERCC2 gene. A presumed nomenclature of c.(360+1_361-1)_(1479+1_1480-1)del has been designated for the purposes of this classification. Although exact breakpoints of this deletion are not known, it is expected to result in an in-frame deletion change in the ERCC2 gene, a known mechanism of disease. This deletion removes whole or parts of different domains within the encoded protein. The variant was absent in 21692 control chromosomes (gnomAD, Structural Variants dataset). To our knowledge, no occurrence of c.(360+1_361-1)_(1479+1_1480-1)del in individuals affected with Xeroderma Pigmentosum and no experimental evidence demonstrating its impact on protein function have been reported. No clinical diagnostic laboratories have submitted clinical-significance assessments for this variant to ClinVar after 2014. Based on the evidence outlined above, the variant was classified as likely pathogenic.